The following is an entry in ClinVar:

ClinVar aggregate classification (germline): Uncertain significance (1 of 4 stars; one submission).

Conditions:
Cortical dysplasia-focal epilepsy syndrome (PTHSL1). Also called: Pitt-Hopkins-like syndrome 1. Identifiers: Orphanet 163681, Orphanet 221150, MedGen C2750246, MONDO:0012400, OMIM 610042.

Submission:

Labcorp Genetics (formerly Invitae), Labcorp
Classification: Uncertain significance for Cortical dysplasia-focal epilepsy syndrome. Last evaluated: 2020-07-26. Review status: criteria provided, single submitter. Criteria: Invitae Variant Classification Sherloc (09022015). Collection method: clinical testing. Allele origin: germline.
Comment: This variant has not been reported in the literature in individuals with CNTNAP2-related conditions. This variant is not present in population databases (ExAC no frequency). This sequence change replaces valine with glycine at codon 1134 of the CNTNAP2 protein (p.Val1134Gly). The valine residue is moderately conserved and there is a moderate physicochemical difference between valine and glycine. Algorithms developed to predict the effect of missense changes on protein structure and function (SIFT, PolyPhen-2, Align-GVGD) all suggest that this variant is likely to be tolerated, but these predictions have not been confirmed by published functional studies and their clinical significance is uncertain. In summary, the available evidence is currently insufficient to determine the role of this variant in disease. Therefore, it has been classified as a Variant of Uncertain Significance.

NM_014141.6(CNTNAP2):c.3401T>G (p.Val1134Gly)

Gene: CNTNAP2 (contactin associated protein 2; plus strand). Cytogenetic location: 7q36.1.
Variant type: single nucleotide variant.
Coding change: c.3401T>G on transcript NM_014141.6 (MANE Select); coding-DNA position 3401, T replaced by G.
Protein change: p.Val1134Gly; replaces valine 1134 with glycine.
Molecular consequence: missense variant.
Genome position (GRCh38, 1-based): chr7:148,267,052, T>G. VCF-style: chr7-148267052-T-G. GRCh37 (hg19) VCF-style: chr7-147964144-T-G.
Other names: short protein forms V1134G.
Identifiers: ClinVar variation 1044860 (VCV001044860.8), dbSNP rs1796684694, ClinGen allele CA369928875.